The following is an entry in ClinVar:

ClinVar aggregate classification (germline): Uncertain significance. Review status: criteria provided, multiple submitters, no conflicts (2 of 4 stars). 2 submissions from 2 submitters: Uncertain significance (2). Last evaluated 2025-02-03.

Conditions:
Inborn genetic diseases. Identifiers: MedGen C0950123, MeSH D030342.

Allele frequency attached by ClinVar (database versions not stated): TOPMed below 0.00001.

Submissions (2):

Ambry Genetics
Classification: Uncertain significance for Inborn genetic diseases. Last evaluated: 2025-02-03. Review status: criteria provided, single submitter. Criteria: Ambry Variant Classification Scheme 2023. Collection method: clinical testing. Allele origin: germline.

Labcorp Genetics (formerly Invitae), Labcorp
Classification: Uncertain significance. Last evaluated: 2024-02-24. Review status: criteria provided, single submitter. Criteria: Invitae Variant Classification Sherloc (09022015). Collection method: clinical testing. Allele origin: germline.
Comment: This sequence change replaces glycine, which is neutral and non-polar, with arginine, which is basic and polar, at codon 539 of the PCDH15 protein (p.Gly539Arg). This variant is not present in population databases (gnomAD no frequency). This variant has not been reported in the literature in individuals affected with PCDH15-related conditions. ClinVar contains an entry for this variant (Variation ID: 1362004). Advanced modeling of protein sequence and biophysical properties (such as structural, functional, and spatial information, amino acid conservation, physicochemical variation, residue mobility, and thermodynamic stability) performed at Invitae indicates that this missense variant is expected to disrupt PCDH15 protein function with a positive predictive value of 80%. In summary, the available evidence is currently insufficient to determine the role of this variant in disease. Therefore, it has been classified as a Variant of Uncertain Significance.

NM_001384140.1(PCDH15):c.1615G>A (p.Gly539Arg)

Gene: PCDH15 (protocadherin related 15; minus strand). Cytogenetic location: 10q21.1.
Variant type: single nucleotide variant.
Coding change: c.1615G>A on transcript NM_001384140.1 (MANE Select); coding-DNA position 1615, G replaced by A.
Protein change: p.Gly539Arg; replaces glycine 539 with arginine.
Molecular consequence: missense variant.
Genome position (GRCh38, 1-based): chr10:54,153,269, C>T on the plus strand (G>A on the coding strand, the complement: PCDH15 is on the minus strand). VCF-style: chr10-54153269-C-T. GRCh37 (hg19) VCF-style: chr10-55913029-C-T.
Other names: c.1630G>A, p.Gly544Arg (NM_001142763.2, NM_001142771.2); c.1615G>A, p.Gly539Arg (NM_001142764.2, NM_001142765.2, NM_001142766.2 and 6 more transcripts); c.1504G>A, p.Gly502Arg (NM_001142767.2); c.1549G>A, p.Gly517Arg (NM_001142768.2, NM_001142773.2, NM_001354404.2); c.1651G>A, p.Gly551Arg (NM_001142769.4); c.1636G>A, p.Gly546Arg (NM_001354411.2); short protein forms G502R, G517R, G551R, G546R, G539R, G544R.
Identifiers: ClinVar variation 1362004 (VCV001362004.6), dbSNP rs773321787, ClinGen allele CA376519887.
Genomic context (GRCh38, chr10:54,153,269, plus strand): 5'-TGATGATGAAGTCTCCCTGAGCCCCAACAAGGATTTCATATGTGATCTCCCCATTTGACC[C>T]TTCGTCTGCGTCGACTGCAGTGAGCTGGAATTGAAAATCACAACATAAATCCTCTTGGGT-3'
Protein context (NP_001371069.1, residues 529-549): IQLTAVDADE[Gly539Arg]SNGEITYEIL